The following is an entry in ClinVar:

ClinVar aggregate classification (germline): Uncertain significance (1 of 4 stars; one submission).

Conditions:
Marfan syndrome (MFS). Also called: Marfan's syndrome; Marfan syndrome, classic; MARFAN SYNDROME, TYPE I; Marfan syndrome type 1; FBN1-Related Marfan Syndrome. Identifiers: Orphanet 284963, Orphanet 558, MedGen C0024796, MONDO:0007947, OMIM 154700.
Familial thoracic aortic aneurysm and aortic dissection (TAAD). Also called: Thoracic aortic aneurysms and dissections. Identifiers: Orphanet 91387, MedGen C4707243, MONDO:0019625.

Submission:

Labcorp Genetics (formerly Invitae), Labcorp
Classification: Uncertain significance for Marfan syndrome; Familial thoracic aortic aneurysm and aortic dissection. Last evaluated: 2022-08-05. Review status: criteria provided, single submitter. Criteria: Invitae Variant Classification Sherloc (09022015). Collection method: clinical testing. Allele origin: germline.
Comment: In summary, the available evidence is currently insufficient to determine the role of this variant in disease. Therefore, it has been classified as a Variant of Uncertain Significance. Algorithms developed to predict the effect of missense changes on protein structure and function (SIFT, PolyPhen-2, Align-GVGD) all suggest that this variant is likely to be disruptive. This variant has not been reported in the literature in individuals affected with FBN1-related conditions. This variant is not present in population databases (gnomAD no frequency). This sequence change replaces aspartic acid, which is acidic and polar, with valine, which is neutral and non-polar, at codon 530 of the FBN1 protein (p.Asp530Val).

NM_000138.5(FBN1):c.1589A>T (p.Asp530Val)

Gene: FBN1 (fibrillin 1; minus strand). Cytogenetic location: 15q21.1.
Variant type: single nucleotide variant.
Coding change: c.1589A>T on transcript NM_000138.5 (MANE Select); coding-DNA position 1589, A replaced by T.
Protein change: p.Asp530Val; replaces aspartic acid 530 with valine.
Molecular consequence: missense variant.
Genome position (GRCh38, 1-based): chr15:48,510,169, T>A on the plus strand (A>T on the coding strand, the complement: FBN1 is on the minus strand). VCF-style: chr15-48510169-T-A. GRCh37 (hg19) VCF-style: chr15-48802366-T-A.
Other names: c.1589A>T, p.Asp530Val (NM_001406716.1); short protein forms D530V.
Identifiers: ClinVar variation 1715110 (VCV001715110.5), dbSNP rs794728171, ClinGen allele CA392341418.